The following is an entry in ClinVar:

NM_001278116.2(L1CAM):c.2063G>A (p.Arg688Lys)

Gene: L1CAM (L1 cell adhesion molecule; minus strand). Cytogenetic location: Xq28.
Variant type: single nucleotide variant.
Coding change: c.2063G>A on transcript NM_001278116.2 (MANE Select); coding-DNA position 2063, G replaced by A.
Protein change: p.Arg688Lys; replaces arginine 688 with lysine.
Molecular consequence: missense variant.
Genome position (GRCh38, 1-based): chrX:153,867,430, C>T on the plus strand (G>A on the coding strand, the complement: L1CAM is on the minus strand). VCF-style: chrX-153867430-C-T. GRCh37 (hg19) VCF-style: chrX-153132885-C-T.
Other names: c.2063G>A, p.Arg688Lys (NM_000425.5, NM_024003.3); c.2048G>A, p.Arg683Lys (NM_001143963.2); short protein forms R683K, R688K.
Identifiers: ClinVar variation 3364507 (VCV003364507.1).

ClinVar aggregate classification (germline): Uncertain significance (1 of 4 stars; one submission).

Submission:

GeneDx
Classification: Uncertain significance. Last evaluated: 2023-12-03. Review status: criteria provided, single submitter. Criteria: GeneDx Variant Classification Process June 2021. Collection method: clinical testing. Allele origin: germline. Affected: yes.
Comment: Not observed at significant frequency in large population cohorts (gnomAD); In silico analysis supports that this missense variant has a deleterious effect on protein structure/function; Has not been previously published as pathogenic or benign to our knowledge